The following is an entry in ClinVar:

ClinVar aggregate classification (germline): Likely benign. Review status: criteria provided, multiple submitters, no conflicts (2 of 4 stars). 2 submissions from 2 submitters: Likely benign (2). Last evaluated 2026-09-01.

Conditions:
Congenital myasthenic syndrome 2A. Also called: Myasthenic syndrome, congenital, 2a, slow-channel. Identifiers: Orphanet 590, MedGen C4225374, MONDO:0014581, OMIM 616313.

Allele frequency attached by ClinVar (database versions not stated): TOPMed 0.00006.
gnomAD v4.1: 38 of 1,613,848 alleles (0.0024%); highest among the groups gnomAD compares: Admixed American, 0.063%; no homozygotes.

Submissions (2):

CeGaT Center for Human Genetics Tuebingen
Classification: Likely benign. Last evaluated: 2026-09-01. Review status: criteria provided, single submitter. Criteria: CeGaT Center For Human Genetics Tuebingen Variant Classification Criteria Version 2. Collection method: clinical testing. Allele origin: germline. Affected: yes. Observed: 1 variant allele.
Comment: CHRNB1: BP4, BP7

Labcorp Genetics (formerly Invitae), Labcorp
Classification: Likely benign for Congenital myasthenic syndrome 2A. Last evaluated: 2024-09-04. Review status: criteria provided, single submitter. Criteria: Invitae Variant Classification Sherloc (09022015). Collection method: clinical testing. Allele origin: germline.

NM_000747.3(CHRNB1):c.300G>A (p.Ser100=)

Gene: CHRNB1 (cholinergic receptor nicotinic beta 1 subunit; plus strand). Cytogenetic location: 17p13.1.
Variant type: single nucleotide variant.
Coding change: c.300G>A on transcript NM_000747.3 (MANE Select); coding-DNA position 300, G replaced by A.
Protein change: p.Ser100=; no amino-acid change (serine 100 retained).
Molecular consequence: synonymous variant.
Genome position (GRCh38, 1-based): chr17:7,446,889, G>A. VCF-style: chr17-7446889-G-A. GRCh37 (hg19) VCF-style: chr17-7350208-G-A.
Identifiers: ClinVar variation 542760 (VCV000542760.9), dbSNP rs376099204, ClinGen allele CA497743457.